The following is an entry in ClinVar:

ClinVar aggregate classification (germline): Conflicting classifications of pathogenicity. Review status: criteria provided, conflicting classifications (1 of 4 stars). 2 submissions from 2 submitters: Uncertain significance (1); Likely benign (1). Last evaluated 2026-07-28.

Conditions:
Hereditary cancer-predisposing syndrome. Also called: Neoplastic Syndromes, Hereditary; Hereditary Cancer Syndrome; Tumor predisposition; Hereditary neoplastic syndrome. Identifiers: Orphanet 140162, MedGen C0027672, MeSH D009386, MONDO:0015356.
Gorlin syndrome. Also called: Nevoid Basal Cell Carcinoma Syndrome; Basal cell nevus syndrome. Identifiers: Orphanet 377, MedGen C0004779, MONDO:0007187.

gnomAD v4.1: 3 of 1,446,450 alleles (0.00021%); highest among the groups gnomAD compares: Non-Finnish European, 0.00027%; no homozygotes.

Submissions (2):

Ambry Genetics
Classification: Likely benign for Hereditary cancer-predisposing syndrome. Last evaluated: 2026-07-28. Review status: criteria provided, single submitter. Criteria: Ambry Variant Classification Scheme 2023. Collection method: clinical testing. Allele origin: germline.

Labcorp Genetics (formerly Invitae), Labcorp
Classification: Uncertain significance for Gorlin syndrome. Last evaluated: 2024-11-25. Review status: criteria provided, single submitter. Criteria: Invitae Variant Classification Sherloc (09022015). Collection method: clinical testing. Allele origin: germline.
Comment: This sequence change replaces isoleucine, which is neutral and non-polar, with asparagine, which is neutral and polar, at codon 21 of the PTCH1 protein (p.Ile21Asn). This variant is not present in population databases (gnomAD no frequency). This variant has not been reported in the literature in individuals affected with PTCH1-related conditions. ClinVar contains an entry for this variant (Variation ID: 960755). Invitae Evidence Modeling of protein sequence and biophysical properties (such as structural, functional, and spatial information, amino acid conservation, physicochemical variation, residue mobility, and thermodynamic stability) indicates that this missense variant is not expected to disrupt PTCH1 protein function with a negative predictive value of 95%. In summary, the available evidence is currently insufficient to determine the role of this variant in disease. Therefore, it has been classified as a Variant of Uncertain Significance.

NM_000264.5(PTCH1):c.62T>A (p.Ile21Asn)

Genes: PTCH1 (patched 1; minus strand), LOC130002133 (ATAC-STARR-seq lymphoblastoid silent region 20071; plus strand). Cytogenetic location: 9q22.32.
Variant type: single nucleotide variant.
Coding change: c.62T>A on transcript NM_000264.5 (MANE Select); coding-DNA position 62, T replaced by A.
Protein change: p.Ile21Asn; replaces isoleucine 21 with asparagine.
Molecular consequence: missense variant. On other transcripts: non-coding transcript variant (1), intron variant (3).
Genome position (GRCh38, 1-based): chr9:95,508,300, A>T on the plus strand (T>A on the coding strand, the complement: PTCH1 is on the minus strand). VCF-style: chr9-95508300-A-T. GRCh37 (hg19) VCF-style: chr9-98270582-A-T.
Other names: c.62T>A, p.Ile21Asn (NM_001354918.2); c.199-1701T>A (NM_001083603.3); c.4-1701T>A (NM_001083602.3, NM_001354919.2); short protein forms I21N.
Identifiers: ClinVar variation 960755 (VCV000960755.12), dbSNP rs1843904837, ClinGen allele CA374121491.
Genomic context (GRCh38, chr9:95,508,300, plus strand): 5'-CGGCGCAGCCCCCCCGTCCGTCTGCGCCTCCCGCCTCCAGCCGGCCGTCCCGGGGCACCG[A>T]TACAGCCGCTGCCGCCGCCGCCGCGGTCCTGGGGCTCGGCGGCGTTACCAGCCGAGGCCA-3'
Protein context (NP_000255.2, residues 11-31): QDRGGGGSGC[Ile21Asn]GAPGRPAGGG